The following is an entry in ClinVar:

ClinVar aggregate classification (germline): Uncertain significance (1 of 4 stars; one submission).

Submissions (2):

GeneDx
Classification: Uncertain significance. Last evaluated: 2025-03-19. Review status: criteria provided, single submitter. Criteria: GeneDx Variant Classification Process June 2021. Collection method: clinical testing. Allele origin: germline. Affected: yes.
Comment: Canonical splice site variant with an unclear effect on protein function; Not observed at significant frequency in large population cohorts (gnomAD); Has not been previously published as pathogenic or benign to our knowledge

Dr. Peter K. Rogan Lab, Western University
No classification provided (evidence only). Condition: Ovarian serous cystadenocarcinoma. Review status: no classification provided. Collection method: in vitro. Allele origin: not applicable. Functional consequence: retained intron. Not counted in ClinVar's aggregate classification.

NM_014233.4(UBTF):c.1953+1G>A

Genes: ATXN7L3-AS1 (ATXN7L3 antisense RNA 1; plus strand), UBTF (upstream binding transcription factor; minus strand). Cytogenetic location: 17q21.31.
Variant type: single nucleotide variant.
Coding change: c.1953+1G>A on transcript NM_014233.4 (MANE Select); the canonical splice donor site of the intron after coding-DNA position 1953, G replaced by A.
Molecular consequence: splice donor variant.
Genome position (GRCh38, 1-based): chr17:44,207,863, C>T on the plus strand (G>A on the coding strand, the complement: UBTF is on the minus strand). VCF-style: chr17-44207863-C-T. GRCh37 (hg19) VCF-style: chr17-42285231-C-T.
Other names: NC_000017.10:g.42285231C>T; c.1842+1G>A (NM_001076683.2, NM_001076684.3).
Identifiers: ClinVar variation 4086370 (VCV004086370.2).